The following is an entry in ClinVar:

NM_001267550.2(TTN):c.68195C>A (p.Ser22732Ter)

Genes: TTN (titin; minus strand), TTN-AS1 (TTN antisense RNA 1; plus strand), LOC126806423 (CDK7 strongly-dependent group 2 enhancer GRCh37_chr2:179443309-179444508; plus strand). Cytogenetic location: 2q31.2.
Variant type: single nucleotide variant.
Coding change: c.68195C>A on transcript NM_001267550.2 (MANE Select); coding-DNA position 68195, C replaced by A.
Protein change: p.Ser22732Ter; replaces serine 22732 with a stop codon.
Molecular consequence: nonsense.
Genome position (GRCh38, 1-based): chr2:178,578,835, G>T on the plus strand (C>A on the coding strand, the complement: TTN is on the minus strand). VCF-style: chr2-178578835-G-T. GRCh37 (hg19) VCF-style: chr2-179443562-G-T.
Other names: c.60491C>A, p.Ser20164Ter (NM_133378.4); c.63272C>A, p.Ser21091Ter (NM_001256850.1); c.41000C>A, p.Ser13667Ter (NM_003319.4); c.41375C>A, p.Ser13792Ter (NM_133432.3); c.41576C>A, p.Ser13859Ter (NM_133437.4); short protein forms S20164*, S22732*, S13667*, S13792*, S13859*, S21091*.
Identifiers: ClinVar variation 180107 (VCV000180107.5), dbSNP rs727505352, ClinGen allele CA273679.

ClinVar aggregate classification (germline): Likely pathogenic (1 of 4 stars; one submission).

Conditions:
Primary dilated cardiomyopathy (DCM). Also called: Dilated Cardiomyopathy. Identifiers: Orphanet 217604, MedGen C0007193, MeSH D002311, MONDO:0005021, HP:0001644. Inheritance: Various modes of inheritance.

Submission:

Laboratory for Molecular Medicine, Mass General Brigham Personalized Medicine
Classification: Likely pathogenic for Primary dilated cardiomyopathy. Last evaluated: 2014-11-25. Review status: criteria provided, single submitter. Criteria: LMM Criteria. Collection method: clinical testing. Allele origin: germline. Inheritance: Autosomal dominant inheritance. Observed: 1 variant allele.
Comment: The p.Ser20164X variant in TTN has not been previously reported in individuals w ith cardiomyopathy or in large population studies. This nonsense variant leads t o a premature termination codon at position 20164, which is predicted to lead to a truncated or absent protein. Nonsense and other truncating variants in TTN ar e strongly associated with DCM and the majority occur in the A-band (Herman 2012 , Pugh 2014), where this variant is located. In summary, although additional stu dies are required to fully establish its clinical significance, the p.Ser20164X variant is likely pathogenic.